The following is an entry in ClinVar:

ClinVar aggregate classification (germline): Uncertain significance (1 of 4 stars; one submission).

Submission:

ISCA site 4
Classification: Uncertain significance. Last evaluated: 2011-08-12. Review status: criteria provided, single submitter. Criteria: Kaminsky et al. (Genet Med. 2011). Collection method: clinical testing. Allele origin: unknown. Affected: yes. Observed: 1 variant allele.
Comment: Copy number variation identified through the course of routine clinical cytogenomic testing in postnatal populations. Clinical assertions have been curated as described in Kaminsky et al. 2011.

GRCh38/hg38 13q12.12(chr13:23518725-24153706)x1

Genes: C1QTNF9B (C1q and TNF related 9B; minus strand), MIPEP (mitochondrial intermediate peptidase; minus strand), PCOTH (prostate and testis expressed opposite C1QTNF9B and MIPEP; plus strand), SPATA13 (spermatogenesis associated 13; plus strand), TNFRSF19 (TNF receptor superfamily member 19; plus strand) and 19 more. Cytogenetic location: 13q12.12.
Variant type: copy number loss.
Change: copy number 1 (one copy instead of two) of chr13:23,518,725-24,153,706 (635.0 kb, GRCh38 coordinates, 1-based), cytogenetic band 13q12.12.
Identifiers: ClinVar variation 57252 (VCV000057252.1).